The following is an entry in ClinVar:

NM_024675.4(PALB2):c.2393_2394insCT (p.Thr799fs)

Gene: PALB2 (partner and localizer of BRCA2; minus strand). Cytogenetic location: 16p12.2.
Variant type: Insertion.
Coding change: c.2393_2394insCT on transcript NM_024675.4 (MANE Select); coding-DNA positions 2393 to 2394, CT inserted.
Protein change: p.Thr799fs; shifts the reading frame from threonine 799.
Molecular consequence: frameshift variant.
Genome position: GRCh38 VCF-style: chr16-23629760-A-AAG. GRCh37 (hg19) VCF-style: chr16-23641081-A-AAG.
Other names: short protein forms T799fs.
Identifiers: ClinVar variation 126651 (VCV000126651.2), dbSNP rs180177113, ClinGen allele CA269533.

ClinVar aggregate classification (germline): Pathogenic (0 of 4 stars; one submission).

Conditions:
Fanconi anemia complementation group N. Also called: PALB2-Related Fanconi Anemia. Identifiers: Orphanet 84, MedGen C1835817, MONDO:0012565, OMIM 610832. Disease mechanism: loss of function.

Submission:

Leiden Open Variation Database
Classification: Pathogenic for Fanconi anemia complementation group N. Last evaluated: 2019-05-13. Review status: no assertion criteria provided. Collection method: curation. Allele origin: germline. Affected: yes.
Comment: Curators: Marc Tischkowitz, Arleen D. Auerbach. Submitters to LOVD: Arleen D. Auerbach, LOVD-team, but with Curator vacancy, Marc Tischkowitz.

Literature cited by the submitters: PubMed 17200671; PubMed 19264984.